The following is an entry in ClinVar:

NM_000553.6(WRN):c.1134AGA[3] (p.Glu379_Asp380insGlu)

Gene: WRN (WRN RecQ like helicase; plus strand). Cytogenetic location: 8p12.
Variant type: Microsatellite.
Coding change: c.1134AGA[3] on transcript NM_000553.6 (MANE Select); three copies in a row of the 3-base unit AGA starting at c.1134; the reference has two copies in a row; one copy, 3 bases duplicated.
Protein change: p.Glu379_Asp380insGlu.
Molecular consequence: inframe insertion.
Genome position (GRCh38, 1-based): chr8:31,081,164-31,081,166, AGA duplicated; duplicating any 3 consecutive bases within chr8:31,081,161-31,081,166 gives the same sequence; the position shown is the placement nearest the transcript's 3' end. VCF-style (leftmost placement, unchanged base first): chr8-31081160-T-TAGA. GRCh37 (hg19) VCF-style: chr8-30938676-T-TAGA.
Identifiers: ClinVar variation 2111461 (VCV002111461.4), dbSNP rs2535911031, ClinGen allele CA2580614324.

ClinVar aggregate classification (germline): Uncertain significance (1 of 4 stars; one submission).

Conditions:
Werner syndrome (WRN). Identifiers: Orphanet 902, MedGen C0043119, MONDO:0010196, OMIM 277700.

Submission:

Labcorp Genetics (formerly Invitae), Labcorp
Classification: Uncertain significance for Werner syndrome. Last evaluated: 2022-03-13. Review status: criteria provided, single submitter. Criteria: Invitae Variant Classification Sherloc (09022015). Collection method: clinical testing. Allele origin: germline.
Comment: In summary, the available evidence is currently insufficient to determine the role of this variant in disease. Therefore, it has been classified as a Variant of Uncertain Significance. This variant has not been reported in the literature in individuals affected with WRN-related conditions. This variant is not present in population databases (gnomAD no frequency). This variant, c.1137_1139dup, results in the insertion of 1 amino acid(s) of the WRN protein (p.Glu379dup), but otherwise preserves the integrity of the reading frame.